The following is an entry in ClinVar:

ClinVar aggregate classification (germline): Uncertain significance (1 of 4 stars; one submission).

Conditions:
SLC25A13-related disorder. Also called: SLC25A13-related condition.

gnomAD v4.1: 3 of 1,613,974 alleles (0.00019%); highest among the groups gnomAD compares: African/African-American, 0.004%; no homozygotes.

Submission:

PreventionGenetics, part of Exact Sciences
Classification: Uncertain significance for SLC25A13-related condition. Last evaluated: 2025-09-14. Review status: criteria provided, single submitter. Criteria: ACMG Guidelines, 2015. Collection method: clinical testing. Allele origin: germline.
Comment: The SLC25A13 c.1666C>G variant is predicted to result in the amino acid substitution p.Gln556Glu. To our knowledge, this variant has not been reported in the literature. This variant is reported in 0.011% of alleles in individuals of African descent in gnomAD. At this time, the clinical significance of this variant is uncertain due to the absence of conclusive functional and genetic evidence.

NM_014251.3(SLC25A13):c.1666C>G (p.Gln556Glu)

Gene: SLC25A13 (solute carrier family 25 member 13; minus strand). Cytogenetic location: 7q21.3.
Variant type: single nucleotide variant.
Coding change: c.1666C>G on transcript NM_014251.3 (MANE Select); coding-DNA position 1666, C replaced by G.
Protein change: p.Gln556Glu; replaces glutamine 556 with glutamic acid.
Molecular consequence: missense variant. On other transcripts: non-coding transcript variant (1).
Genome position (GRCh38, 1-based): chr7:96,121,923, G>C on the plus strand (C>G on the coding strand, the complement: SLC25A13 is on the minus strand). VCF-style: chr7-96121923-G-C. GRCh37 (hg19) VCF-style: chr7-95751235-G-C.
Other names: c.1669C>G, p.Gln557Glu (NM_001160210.2); short protein forms Q556E, Q557E.
Identifiers: ClinVar variation 4998003 (VCV004998003.1).